The following is an entry in ClinVar:

NM_024649.5(BBS1):c.898A>G (p.Lys300Glu)

Genes: BBS1 (Bardet-Biedl syndrome 1; plus strand), ZDHHC24 (zDHHC palmitoyltransferase 24; minus strand). Cytogenetic location: 11q13.2.
Variant type: single nucleotide variant.
Coding change: c.898A>G on transcript NM_024649.5 (MANE Select); coding-DNA position 898, A replaced by G.
Protein change: p.Lys300Glu; replaces lysine 300 with glutamic acid.
Molecular consequence: missense variant. On other transcripts: intron variant (1).
Genome position (GRCh38, 1-based): chr11:66,523,523, A>G. VCF-style: chr11-66523523-A-G. GRCh37 (hg19) VCF-style: chr11-66290994-A-G.
Other names: c.*22-2057T>C (NM_001348571.2); short protein forms K300E.
Identifiers: ClinVar variation 4980628 (VCV004980628.1).

ClinVar aggregate classification (germline): Uncertain significance (1 of 4 stars; one submission).

Conditions:
BBS1-related disorder. Also called: BBS1-related condition.

gnomAD v4.1: 1 of 1,614,086 alleles (0.000062%); highest among the groups gnomAD compares: Non-Finnish European, 0.000085%; no homozygotes.

Submission:

PreventionGenetics, part of Exact Sciences
Classification: Uncertain significance for BBS1-related condition. Last evaluated: 2026-05-29. Review status: criteria provided, single submitter. Criteria: ACMG Guidelines, 2015. Collection method: clinical testing. Allele origin: germline.
Comment: The BBS1 c.898A>G variant is predicted to result in the amino acid substitution p.Lys300Glu. To our knowledge, this variant has not been reported in the literature or in a large population database (gnomAD), indicating this variant is rare. At this time, the clinical significance of this variant is uncertain due to the absence of conclusive functional and genetic evidence.